The following is an entry in ClinVar:

NM_002693.3(POLG):c.3643+258A>G

Genes: FANCI (FA complementation group I; plus strand), POLG (DNA polymerase gamma, catalytic subunit; minus strand). Cytogenetic location: 15q26.1.
Variant type: single nucleotide variant.
Coding change: c.3643+258A>G on transcript NM_002693.3 (MANE Select); 258 bases into the intron after coding-DNA position 3643, A replaced by G.
Molecular consequence: intron variant. On other transcripts: 3 prime UTR variant (4).
Genome position (GRCh38, 1-based): chr15:89,317,118, T>C on the plus strand (A>G on the coding strand, the complement: POLG is on the minus strand). VCF-style: chr15-89317118-T-C. GRCh37 (hg19) VCF-style: chr15-89860349-T-C.
Other names: c.*659T>C (NM_001113378.2, NM_001376910.1, NM_001376911.1 and 1 more transcripts); c.3643+258A>G (NM_001126131.2).
Identifiers: ClinVar variation 317320 (VCV000317320.7), dbSNP rs1860021, ClinGen allele CA10636635.

ClinVar aggregate classification (germline): Benign/Likely benign. Review status: criteria provided, multiple submitters, no conflicts (2 of 4 stars). 3 submissions from 3 submitters: Benign (2); Likely benign (1). Last evaluated 2018-06-14.

Conditions:
Fanconi anemia complementation group I (FANCI). Also called: FANCI-Related Fanconi Anemia. Identifiers: Orphanet 84, MedGen C1836861, MONDO:0012186, OMIM 609053.

Allele frequency attached by ClinVar (database versions not stated): gnomAD exomes 0.01347; gnomAD 0.09846 and 0.10541; 1000 Genomes Project 0.10843; TOPMed 0.11138; 1000 Genomes Project 30x 0.11508.
gnomAD v4.1: 21,270 of 594,154 alleles (3.6%); highest among the groups gnomAD compares: African/African-American, 33%; 3,043 homozygotes.

Submissions (3):

GeneDx
Classification: Benign. Last evaluated: 2018-06-14. Review status: criteria provided, single submitter. Criteria: GeneDx Variant Classification (06012015). Collection method: clinical testing. Allele origin: germline. Affected: yes.
Comment: This variant is considered likely benign or benign based on one or more of the following criteria: it is a conservative change, it occurs at a poorly conserved position in the protein, it is predicted to be benign by multiple in silico algorithms, and/or has population frequency not consistent with disease.

Illumina Laboratory Services, Illumina
Classification: Benign for Fanconi anemia complementation group I. Last evaluated: 2018-01-13. Review status: criteria provided, single submitter. Criteria: ICSL Variant Classification Criteria 13 December 2019. Collection method: clinical testing. Allele origin: germline.
Comment: This variant was observed in the ICSL laboratory as part of a predisposition screen in an ostensibly healthy population. It had not been previously curated by ICSL or reported in the Human Gene Mutation Database (HGMD: prior to June 1st, 2018), and was therefore a candidate for classification through an automated scoring system. Utilizing variant allele frequency, disease prevalence and penetrance estimates, and inheritance mode, an automated score was calculated to assess if this variant is too frequent to cause the disease. Based on the score and internal cut-off values, a variant classified as benign is not then subjected to further curation. The score for this variant resulted in a classification of benign for this disease.

Breakthrough Genomics
Classification: Likely benign. Review status: criteria provided, single submitter. Criteria: ACMG Guidelines, 2015. Collection method: not provided. Allele origin: germline. Inheritance: Autosomal recessive inheritance. Affected: yes.